The following is an entry in ClinVar:

NM_003105.6(SORL1):c.6525C>G (p.Ser2175Arg)

Gene: SORL1 (sortilin related receptor 1; plus strand). Cytogenetic location: 11q24.1.
Variant type: single nucleotide variant.
Coding change: c.6525C>G on transcript NM_003105.6 (MANE Select); coding-DNA position 6525, C replaced by G.
Protein change: p.Ser2175Arg; replaces serine 2175 with arginine.
Molecular consequence: missense variant.
Genome position (GRCh38, 1-based): chr11:121,627,715, C>G. VCF-style: chr11-121627715-C-G. GRCh37 (hg19) VCF-style: chr11-121498424-C-G.
Other names: short protein forms S2175R.
Identifiers: ClinVar variation 1377735 (VCV001377735.6), dbSNP rs143536682, ClinGen allele CA6330286.

ClinVar aggregate classification (germline): Uncertain significance (1 of 4 stars; one submission).

Allele frequency attached by ClinVar (database versions not stated): 1000 Genomes Project 30x 0.00016; gnomAD exomes 0.00016 and 0.00035; TOPMed 0.00017; gnomAD 0.00018; 1000 Genomes Project 0.00020; ExAC 0.00021; ESP Exome Variant Server 0.00031.
gnomAD v4.1: 532 of 1,614,150 alleles (0.033%); highest among the groups gnomAD compares: Non-Finnish European, 0.042%; no homozygotes.

Submission:

Labcorp Genetics (formerly Invitae), Labcorp
Classification: Uncertain significance. Last evaluated: 2025-08-10. Review status: criteria provided, single submitter. Criteria: Invitae Variant Classification Sherloc (09022015). Collection method: clinical testing. Allele origin: germline.
Comment: This sequence change replaces serine, which is neutral and polar, with arginine, which is basic and polar, at codon 2175 of the SORL1 protein (p.Ser2175Arg). This variant is present in population databases (rs143536682, gnomAD 0.03%), and has an allele count higher than expected for a pathogenic variant. This missense change has been observed in individual(s) with Alzheimer disease (PMID: 28789839). ClinVar contains an entry for this variant (Variation ID: 1377735). An algorithm developed to predict the effect of missense changes on protein structure and function (PolyPhen-2) suggests that this variant is likely to be disruptive. In summary, the available evidence is currently insufficient to determine the role of this variant in disease. Therefore, it has been classified as a Variant of Uncertain Significance.

Literature cited by the submitters: PubMed 28789839.